The following is an entry in ClinVar:

NM_017775.4(TTC19):c.758C>T (p.Pro253Leu)

Gene: TTC19 (tetratricopeptide repeat domain 19; plus strand). Cytogenetic location: 17p12.
Variant type: single nucleotide variant.
Coding change: c.758C>T on transcript NM_017775.4 (MANE Select); coding-DNA position 758, C replaced by T.
Protein change: p.Pro253Leu; replaces proline 253 with leucine.
Molecular consequence: missense variant.
Genome position (GRCh38, 1-based): chr17:16,025,098, C>T. VCF-style: chr17-16025098-C-T. GRCh37 (hg19) VCF-style: chr17-15928412-C-T.
Other names: p.Pro253Leu; c.437C>T, p.Pro146Leu (NM_001271420.2); short protein forms P253L, P146L.
Identifiers: ClinVar variation 321947 (VCV000321947.14), dbSNP rs78882347, ClinGen allele CA8407512.
Genomic context (GRCh38, chr17:16,025,098, plus strand): 5'-ACCTCCTCTTGGGCATGTGCTTAGACGCCTGTGCTCGCTACCTTCTGTTCTCCAAGCAGC[C>T]GTCACAGGCACAAAGGATGTATGAAAAAGCTCTGCAGATTTCTGAAGAAATACAAGGAGA-3'
Protein context (NP_060245.3, residues 243-263): CARYLLFSKQ[Pro253Leu]SQAQRMYEKA

ClinVar aggregate classification (germline): Conflicting classifications of pathogenicity. Review status: criteria provided, conflicting classifications (1 of 4 stars). 4 submissions from 4 submitters: Uncertain significance (1); Benign (3). Last evaluated 2026-01-25.

Conditions:
Mitochondrial complex III deficiency nuclear type 2. Identifiers: MedGen C3554605, MONDO:0014063, OMIM 615157.

Allele frequency attached by ClinVar (database versions not stated): gnomAD 0.00878 and 0.00814; 1000 Genomes Project 0.00879; 1000 Genomes Project 30x 0.00968; ESP Exome Variant Server 0.01015; gnomAD exomes 0.00079 and 0.00196; ExAC 0.00248; TOPMed 0.00863.
gnomAD v4.1: 2,460 of 1,613,836 alleles (0.15%); highest among the groups gnomAD compares: African/African-American, 2.9%; 37 homozygotes.

Submissions (4):

Labcorp Genetics (formerly Invitae), Labcorp
Classification: Benign. Last evaluated: 2026-01-25. Review status: criteria provided, single submitter. Criteria: Invitae Variant Classification Sherloc (09022015). Collection method: clinical testing. Allele origin: germline.

Mayo Clinic Laboratories, Mayo Clinic
Classification: Benign. Last evaluated: 2023-10-04. Review status: criteria provided, single submitter. Criteria: ACMG Guidelines, 2015. Collection method: clinical testing. Allele origin: germline. Observed: 9 variant alleles.
Comment: BA1, BP4

Illumina Laboratory Services, Illumina
Classification: Uncertain significance for Mitochondrial complex III deficiency nuclear type 2. Last evaluated: 2018-01-13. Review status: criteria provided, single submitter. Criteria: ICSL Variant Classification Criteria 13 December 2019. Collection method: clinical testing. Allele origin: germline.

GeneDx
Classification: Benign. Last evaluated: 2015-11-17. Review status: criteria provided, single submitter. Criteria: GeneDx Variant Classification (06012015). Collection method: clinical testing. Allele origin: germline. Affected: yes.
Comment: This variant is considered likely benign or benign based on one or more of the following criteria: it is a conservative change, it occurs at a poorly conserved position in the protein, it is predicted to be benign by multiple in silico algorithms, and/or has population frequency not consistent with disease.